The following is an entry in ClinVar:

ClinVar aggregate classification (germline): Uncertain significance (1 of 4 stars; one submission).

Conditions:
Charcot-Marie-Tooth disease type 2. Also called: Charcot-Marie-Tooth type 2. Identifiers: Orphanet 64746, MedGen C0270914, MONDO:0018993.

Allele frequency attached by ClinVar (database versions not stated): ExAC 0.00001; gnomAD 0.00001; TOPMed 0.00001.
gnomAD v4.1: 2 of 1,607,786 alleles (0.00012%); highest among the groups gnomAD compares: African/African-American, 0.0013%; no homozygotes.

Submission:

Labcorp Genetics (formerly Invitae), Labcorp
Classification: Uncertain significance for Charcot-Marie-Tooth disease type 2. Last evaluated: 2023-12-27. Review status: criteria provided, single submitter. Criteria: Invitae Variant Classification Sherloc (09022015). Collection method: clinical testing. Allele origin: germline.
Comment: This sequence change falls in intron 17 of the AARS gene. It does not directly change the encoded amino acid sequence of the AARS protein. It affects a nucleotide within the consensus splice site. This variant is present in population databases (rs746998154, gnomAD 0.007%). This variant has not been reported in the literature in individuals affected with AARS-related conditions. Variants that disrupt the consensus splice site are a relatively common cause of aberrant splicing (PMID: 17576681, 9536098). Algorithms developed to predict the effect of sequence changes on RNA splicing suggest that this variant is not likely to affect RNA splicing. In summary, the available evidence is currently insufficient to determine the role of this variant in disease. Therefore, it has been classified as a Variant of Uncertain Significance.

Literature cited by the submitters: PubMed 17576681; PubMed 9536098.

NM_001605.3(AARS1):c.2400+5G>A

Gene: AARS1 (alanyl-tRNA synthetase 1; minus strand). Cytogenetic location: 16q22.1.
Variant type: single nucleotide variant.
Coding change: c.2400+5G>A on transcript NM_001605.3 (MANE Select); 5 bases into the intron after coding-DNA position 2400, G replaced by A.
Molecular consequence: intron variant.
Genome position (GRCh38, 1-based): chr16:70,254,616, C>T on the plus strand (G>A on the coding strand, the complement: AARS1 is on the minus strand). VCF-style: chr16-70254616-C-T. GRCh37 (hg19) VCF-style: chr16-70288519-C-T.
Identifiers: ClinVar variation 3014869 (VCV003014869.3), dbSNP rs746998154, ClinGen allele CA8140453.